The following is an entry in ClinVar:

NM_000075.4(CDK4):c.818T>C (p.Leu273Pro)

Genes: CDK4 (cyclin dependent kinase 4; minus strand), TSPAN31 (tetraspanin 31; plus strand). Cytogenetic location: 12q14.1.
Variant type: single nucleotide variant.
Coding change: c.818T>C on transcript NM_000075.4 (MANE Select); coding-DNA position 818, T replaced by C.
Protein change: p.Leu273Pro; replaces leucine 273 with proline.
Molecular consequence: missense variant. On other transcripts: 3 prime UTR variant (3).
Genome position (GRCh38, 1-based): chr12:57,749,183, A>G on the plus strand (T>C on the coding strand, the complement: CDK4 is on the minus strand). VCF-style: chr12-57749183-A-G. GRCh37 (hg19) VCF-style: chr12-58142966-A-G.
Other names: c.*1893A>G (NM_001330168.2, NM_001330169.2, NM_005981.5); short protein forms L273P.
Identifiers: ClinVar variation 4868606 (VCV004868606.1).

ClinVar aggregate classification (germline): Uncertain significance (1 of 4 stars; one submission).

Conditions:
Hereditary cancer-predisposing syndrome. Also called: Neoplastic Syndromes, Hereditary; Tumor predisposition; Hereditary Cancer Syndrome; Hereditary neoplastic syndrome. Identifiers: Orphanet 140162, MedGen C0027672, MeSH D009386, MONDO:0015356.

Submission:

Ambry Genetics
Classification: Uncertain significance for Hereditary cancer-predisposing syndrome. Last evaluated: 2026-05-15. Review status: criteria provided, single submitter. Criteria: Ambry Variant Classification Scheme 2023. Collection method: clinical testing. Allele origin: germline.
Comment: The p.L273P variant (also known as c.818T>C), located in coding exon 6 of the CDK4 gene, results from a T to C substitution at nucleotide position 818. The leucine at codon 273 is replaced by proline, an amino acid with similar properties. This amino acid position is highly conserved in available vertebrate species. In addition, this alteration is predicted to be deleterious by in silico analysis. Based on the available evidence, the clinical significance of this variant remains unclear.